The following is an entry in ClinVar:

NM_014795.4(ZEB2):c.-69-9G>C

Gene: ZEB2 (zinc finger E-box binding homeobox 2; minus strand). Cytogenetic location: 2q22.3.
Variant type: single nucleotide variant.
Coding change: c.-69-9G>C on transcript NM_014795.4 (MANE Select); 9 bases into the intron before 69 bases upstream of the start codon, G replaced by C.
Molecular consequence: intron variant.
Genome position (GRCh38, 1-based): chr2:144,517,428, C>G on the plus strand (G>C on the coding strand, the complement: ZEB2 is on the minus strand). VCF-style: chr2-144517428-C-G. GRCh37 (hg19) VCF-style: chr2-145274995-C-G.
Other names: c.-69-9G>C (NM_001171653.2).
Identifiers: ClinVar variation 1311922 (VCV001311922.2), dbSNP rs2149935270, ClinGen allele CA2573051663.

ClinVar aggregate classification (germline): Uncertain significance (1 of 4 stars; one submission).

Submission:

GeneDx
Classification: Uncertain significance. Last evaluated: 2020-01-16. Review status: criteria provided, single submitter. Criteria: GeneDx Variant Classification Process June 2021. Collection method: clinical testing. Allele origin: germline. Affected: yes.
Comment: Not observed in large population cohorts (Lek et al., 2016); Has not been previously published as pathogenic or benign to our knowledge; In-silico analysis, which includes splice predictors and evolutionary conservation, is inconclusive as to whether the variant alters gene splicing. In the absence of RNA/functional studies, the actual effect of this sequence change is unknown.